The following is an entry in ClinVar:

ClinVar aggregate classification (germline): Uncertain significance (0 of 4 stars; one submission).

Allele frequency attached by ClinVar (database versions not stated): gnomAD exomes below 0.00001.
gnomAD v4.1: 1 of 1,579,738 alleles (0.000063%); highest among the groups gnomAD compares: Admixed American, 0.0018%; no homozygotes.

Submission:

Genetic Services Laboratory, University of Chicago
Classification: Uncertain significance. Last evaluated: 2022-12-12. Review status: no assertion criteria provided. Collection method: clinical testing. Allele origin: germline. Affected: no.
Comment: DNA sequence analysis of the CREBBP gene demonstrated a sequence change, c.5714C>A, in exon 31 that results in an amino acid change, p.Pro1905His. This sequence change does not appear to have been previously described in individuals with CREBBP-related disorders and has also not been described in population databases such as ExAC and gnomAD. The p.Pro1905His change affects a moderately conserved amino acid residue located in a domain of the CREBBP protein that is not known to be functional. In-silico pathogenicity prediction tools (SIFT, PolyPhen2, Align GVGD, REVEL) provide contradictory results for the p.Pro1905His substitution. Due to insufficient evidences and the lack of functional studies, the clinical significance of the p.Pro1905His change remains unknown at this time.

NM_004380.3(CREBBP):c.5714C>A (p.Pro1905His)

Gene: CREBBP (CREB binding protein; minus strand). Cytogenetic location: 16p13.3.
Variant type: single nucleotide variant.
Coding change: c.5714C>A on transcript NM_004380.3 (MANE Select); coding-DNA position 5714, C replaced by A.
Protein change: p.Pro1905His; replaces proline 1905 with histidine.
Molecular consequence: missense variant.
Genome position (GRCh38, 1-based): chr16:3,729,333, G>T on the plus strand (C>A on the coding strand, the complement: CREBBP is on the minus strand). VCF-style: chr16-3729333-G-T. GRCh37 (hg19) VCF-style: chr16-3779334-G-T.
Other names: c.5600C>A, p.Pro1867His (NM_001079846.1); short protein forms P1867H, P1905H.
Identifiers: ClinVar variation 2443100 (VCV002443100.2), dbSNP rs1198969992, ClinGen allele CA394555685.
Genomic context (GRCh38, chr16:3,729,333, plus strand): 5'-GCCACGCTGGGGAAGCCAGCTGGTGACATGCTCACGGGTGAGGGTTGGGGCTGGGCAGGG[G>T]GCTGCGGCGTCTGGGGTGTGCTGGGCTGCTGTGTGGGGGTCCCGGGCGGTGCTGAGGTAG-3'
Protein context (NP_004371.2, residues 1895-1915): QQPSTPQTPQ[Pro1905His]PAQPQPSPVS